The following is an entry in ClinVar:

NM_000137.4(FAH):c.939C>T (p.Thr313=)

Gene: FAH (fumarylacetoacetate hydrolase; plus strand). Cytogenetic location: 15q25.1.
Variant type: single nucleotide variant.
Coding change: c.939C>T on transcript NM_000137.4 (MANE Select); coding-DNA position 939, C replaced by T.
Protein change: p.Thr313=; no amino-acid change (threonine 313 retained).
Molecular consequence: synonymous variant.
Genome position (GRCh38, 1-based): chr15:80,177,562, C>T. VCF-style: chr15-80177562-C-T. GRCh37 (hg19) VCF-style: chr15-80469904-C-T.
Other names: c.939C>T, p.Thr313= (NM_001374377.1, NM_001374380.1).
Identifiers: ClinVar variation 4996156 (VCV004996156.1).

ClinVar aggregate classification (germline): Likely benign (1 of 4 stars; one submission).

Conditions:
FAH-related disorder. Also called: FAH-related condition.

gnomAD v4.1: 2 of 1,614,066 alleles (0.00012%); highest among the groups gnomAD compares: South Asian, 0.0011%; no homozygotes.

Submission:

PreventionGenetics, part of Exact Sciences
Classification: Likely benign for FAH-related condition. Last evaluated: 2026-09-25. Review status: criteria provided, single submitter. Criteria: ACMG Guidelines, 2015. Collection method: clinical testing. Allele origin: germline.
Comment: This variant is classified as likely benign based on ACMG/AMP sequence variant interpretation guidelines (Richards et al. 2015 PMID: 25741868, with internal and published modifications).